The following is an entry in ClinVar:

NM_139315.3(TAF6):c.1676C>T (p.Ser559Leu)

Genes: AP4M1 (adaptor related protein complex 4 subunit mu 1; plus strand), TAF6 (TATA-box binding protein associated factor 6; minus strand). Cytogenetic location: 7q22.1.
Variant type: single nucleotide variant.
Coding change: c.1676C>T on transcript NM_139315.3 (MANE Select); coding-DNA position 1676, C replaced by T.
Protein change: p.Ser559Leu; replaces serine 559 with leucine.
Molecular consequence: missense variant. On other transcripts: non-coding transcript variant (1), 3 prime UTR variant (2).
Genome position (GRCh38, 1-based): chr7:100,107,604, G>A on the plus strand (C>T on the coding strand, the complement: TAF6 is on the minus strand). VCF-style: chr7-100107604-G-A. GRCh37 (hg19) VCF-style: chr7-99705227-G-A.
Other names: c.1787C>T (NM_001190415.1); c.*722G>A (NM_001363671.2, NM_004722.4); c.1787C>T, p.Ser596Leu (NM_001190415.2); c.1676C>T, p.Ser559Leu (NM_001364998.1, NM_001364999.1, NM_005641.4); c.1646C>T, p.Ser549Leu (NM_001365000.1, NM_001365001.1, NM_001365002.1 and 1 more transcripts); c.1814C>T, p.Ser605Leu (NM_001365004.1); short protein forms S549L, S559L, S596L, S605L.
Identifiers: ClinVar variation 2414747 (VCV002414747.7), dbSNP rs149274262, ClinGen allele CA4375193.

ClinVar aggregate classification (germline): Uncertain significance. Review status: criteria provided, multiple submitters, no conflicts (2 of 4 stars). 2 submissions from 2 submitters: Uncertain significance (2). Last evaluated 2024-08-21.

Conditions:
Inborn genetic diseases. Identifiers: MedGen C0950123, MeSH D030342.

Allele frequency attached by ClinVar (database versions not stated): gnomAD exomes 0.00004; ESP Exome Variant Server 0.00023; gnomAD 0.00001; ExAC 0.00003; TOPMed 0.00003.
gnomAD v4.1: 56 of 1,613,098 alleles (0.0035%); highest among the groups gnomAD compares: Non-Finnish European, 0.0041%; no homozygotes.

Submissions (2):

Ambry Genetics
Classification: Uncertain significance for Inborn genetic diseases. Last evaluated: 2024-08-21. Review status: criteria provided, single submitter. Criteria: Ambry Variant Classification Scheme 2023. Collection method: clinical testing. Allele origin: germline.

Labcorp Genetics (formerly Invitae), Labcorp
Classification: Uncertain significance. Last evaluated: 2022-04-08. Review status: criteria provided, single submitter. Criteria: Invitae Variant Classification Sherloc (09022015). Collection method: clinical testing. Allele origin: germline.
Comment: This variant has not been reported in the literature in individuals affected with TAF6-related conditions. In summary, the available evidence is currently insufficient to determine the role of this variant in disease. Therefore, it has been classified as a Variant of Uncertain Significance. Algorithms developed to predict the effect of missense changes on protein structure and function are either unavailable or do not agree on the potential impact of this missense change (SIFT: "Deleterious"; PolyPhen-2: "Benign"; Align-GVGD: "Class C0"). This variant is present in population databases (rs149274262, gnomAD 0.007%). This sequence change replaces serine, which is neutral and polar, with leucine, which is neutral and non-polar, at codon 559 of the TAF6 protein (p.Ser559Leu).